The following is an entry in ClinVar:

NM_017514.5(PLXNA3):c.4761C>T (p.Asn1587=)

Gene: PLXNA3 (plexin A3; plus strand). Cytogenetic location: Xq28.
Variant type: single nucleotide variant.
Coding change: c.4761C>T on transcript NM_017514.5 (MANE Select); coding-DNA position 4761, C replaced by T.
Protein change: p.Asn1587=; no amino-acid change (asparagine 1587 retained).
Molecular consequence: synonymous variant.
Genome position (GRCh38, 1-based): chrX:154,469,750, C>T. VCF-style: chrX-154469750-C-T. GRCh37 (hg19) VCF-style: chrX-153698093-C-T.
Identifiers: ClinVar variation 4981015 (VCV004981015.1).

ClinVar aggregate classification (germline): Likely benign (1 of 4 stars; one submission).

Conditions:
PLXNA3-related disorder. Also called: PLXNA3-related condition.

Submission:

PreventionGenetics, part of Exact Sciences
Classification: Likely benign for PLXNA3-related condition. Last evaluated: 2026-08-19. Review status: criteria provided, single submitter. Criteria: ACMG Guidelines, 2015. Collection method: clinical testing. Allele origin: germline.
Comment: This variant is classified as likely benign based on ACMG/AMP sequence variant interpretation guidelines (Richards et al. 2015 PMID: 25741868, with internal and published modifications).